The following is an entry in ClinVar:

ClinVar aggregate classification (germline): Conflicting classifications of pathogenicity. Review status: criteria provided, conflicting classifications (1 of 4 stars). 2 submissions from 2 submitters: Uncertain significance (1); Likely benign (1). Last evaluated 2026-01-27.

Conditions:
Costello syndrome (CSTLO). Also called: HRAS-Related Costello Syndrome; FCS SYNDROME; FACIOCUTANEOSKELETAL SYNDROME. Identifiers: Orphanet 3071, MedGen C0587248, MONDO:0009026, OMIM 218040.

Allele frequency attached by ClinVar (database versions not stated): gnomAD 0.00001; TOPMed 0.00001; gnomAD exomes 0.00001.
gnomAD v4.1: 11 of 1,613,046 alleles (0.00068%); highest among the groups gnomAD compares: Non-Finnish European, 0.00076%; no homozygotes.

Submissions (2):

GeneDx
Classification: Uncertain significance. Last evaluated: 2026-01-27. Review status: criteria provided, single submitter. Criteria: GeneDx Variant Classification Process June 2021. Collection method: clinical testing. Allele origin: germline.
Comment: Missense variants in this gene are a common cause of disease and they are underrepresented in the general population; In silico analysis suggests that this missense variant does not alter protein structure/function; Has not been previously published as pathogenic or benign to our knowledge

Labcorp Genetics (formerly Invitae), Labcorp
Classification: Likely benign for Costello syndrome. Last evaluated: 2025-08-04. Review status: criteria provided, single submitter. Criteria: Invitae Variant Classification Sherloc (09022015). Collection method: clinical testing. Allele origin: germline.

NM_005343.4(HRAS):c.498C>A (p.His166Gln)

Genes: HRAS (HRas proto-oncogene, GTPase; minus strand), LRRC56 (leucine rich repeat containing 56; plus strand). Cytogenetic location: 11p15.5.
Variant type: single nucleotide variant.
Coding change: c.498C>A on transcript NM_005343.4 (MANE Select); coding-DNA position 498, C replaced by A.
Protein change: p.His166Gln; replaces histidine 166 with glutamine.
Molecular consequence: missense variant. On other transcripts: 3 prime UTR variant (1).
Genome position (GRCh38, 1-based): chr11:532,708, G>T on the plus strand (C>A on the coding strand, the complement: HRAS is on the minus strand). VCF-style: chr11-532708-G-T. GRCh37 (hg19) VCF-style: chr11-532708-G-T.
Other names: c.498C>A, p.His166Gln (NM_001130442.3); c.261C>A, p.His87Gln (NM_001318054.2); c.*67C>A (NM_176795.5); short protein forms H166Q, H87Q.
Identifiers: ClinVar variation 240136 (VCV000240136.10), dbSNP rs878854760, ClinGen allele CA10582922.
Genomic context (GRCh38, chr11:532,708, plus strand): 5'-ACACTTGCAGCTCATGCAGCCGGGGCCACTCTCATCAGGAGGGTTCAGCTTCCGCAGCTT[G>T]TGCTGCCGGATCTCACGCACCAACGTGTAGAAGGCATCCTCCACTCCCTGGGAAAGGAGG-3'
Protein context (NP_005334.1, residues 156-176): FYTLVREIRQ[His166Gln]KLRKLNPPDE